The following is an entry in ClinVar:

NM_139137.4(KCNC2):c.361G>T (p.Gly121Cys)

Gene: KCNC2 (potassium voltage-gated channel subfamily C member 2; minus strand). Cytogenetic location: 12q21.1.
Variant type: single nucleotide variant.
Coding change: c.361G>T on transcript NM_139137.4 (MANE Select); coding-DNA position 361, G replaced by T.
Protein change: p.Gly121Cys; replaces glycine 121 with cysteine.
Molecular consequence: missense variant. On other transcripts: non-coding transcript variant (2).
Genome position (GRCh38, 1-based): chr12:75,207,623, C>A on the plus strand (G>T on the coding strand, the complement: KCNC2 is on the minus strand). VCF-style: chr12-75207623-C-A. GRCh37 (hg19) VCF-style: chr12-75601403-C-A.
Other names: c.361G>T, p.Gly121Cys (NM_001260497.2, NM_001260498.2, NM_001260499.2 and 13 more transcripts); short protein forms G121C.
Identifiers: ClinVar variation 2446075 (VCV002446075.1), dbSNP rs2548168788, ClinGen allele CA385786075.

ClinVar aggregate classification (germline): Uncertain significance (1 of 4 stars; one submission).

Submission:

GeneDx
Classification: Uncertain significance. Last evaluated: 2022-09-27. Review status: criteria provided, single submitter. Criteria: GeneDx Variant Classification Process June 2021. Collection method: clinical testing. Allele origin: germline. Affected: yes.
Comment: Not observed at significant frequency in large population cohorts (gnomAD); In silico analysis supports that this missense variant has a deleterious effect on protein structure/function; Has not been previously published as pathogenic or benign to our knowledge